The following is an entry in ClinVar:

NC_000023.10:g.(?_32662229)_(32669194_?)dup

Gene: DMD (dystrophin; minus strand). Cytogenetic location: Xp21.1.
Variant type: Duplication.
Identifiers: ClinVar variation 455840 (VCV000455840.2).

ClinVar aggregate classification (germline): Pathogenic (1 of 4 stars; one submission).

Conditions:
Duchenne muscular dystrophy (DMD). Also called: MUSCULAR DYSTROPHY, PSEUDOHYPERTROPHIC PROGRESSIVE, DUCHENNE TYPE; Duchenne Muscular Dystrophy (DMD). Identifiers: Orphanet 98896, MedGen C0013264, MONDO:0010679, OMIM 310200.

Submission:

Labcorp Genetics (formerly Invitae), Labcorp
Classification: Pathogenic for Duchenne muscular dystrophy. Last evaluated: 2018-09-18. Review status: criteria provided, single submitter. Criteria: Invitae Variant Classification Sherloc (09022015). Collection method: clinical testing. Allele origin: germline.
Comment: This variant is a gross duplication of the genomic region encompassing exons 10-11 of the DMD gene. While the exact position of the duplicated exons cannot be determined from this data, sub-genic duplications are generally in tandem (PMID: 25640679) and may result in an absent or disrupted protein product. Similar duplications have been reported in several individuals affected with muscular dystrophy (PMID: 16917894, 18752307, 28181689). Loss-of-function variants in DMD are known to be pathogenic (PMID: 16770791, 25007885). For these reasons, this variant has been classified as Pathogenic.

Literature cited by the submitters: PubMed 16917894; PubMed 28181689; PubMed 18752307.